The following is an entry in ClinVar:

ClinVar aggregate classification (germline): Uncertain significance. Review status: criteria provided, multiple submitters, no conflicts (2 of 4 stars). 2 submissions from 2 submitters: Uncertain significance (2). Last evaluated 2024-02-19.

Conditions:
Spastic paraplegia. Identifiers: MedGen C0037772, HP:0001258.

Allele frequency attached by ClinVar (database versions not stated): gnomAD 0.00001; gnomAD exomes 0.00001; TOPMed 0.00001; ExAC 0.00002.
gnomAD v4.1: 14 of 1,612,136 alleles (0.00087%); highest among the groups gnomAD compares: South Asian, 0.0033%; no homozygotes.

Submissions (2):

Blueprint Genetics
Classification: Uncertain significance. Last evaluated: 2024-02-19. Review status: criteria provided, single submitter. Criteria: ACMG Guidelines, 2015. Collection method: clinical testing. Allele origin: germline.

Labcorp Genetics (formerly Invitae), Labcorp
Classification: Uncertain significance for Spastic paraplegia. Last evaluated: 2022-06-02. Review status: criteria provided, single submitter. Criteria: Invitae Variant Classification Sherloc (09022015). Collection method: clinical testing. Allele origin: germline.
Comment: This sequence change replaces methionine, which is neutral and non-polar, with valine, which is neutral and non-polar, at codon 477 of the HSPD1 protein (p.Met477Val). In summary, the available evidence is currently insufficient to determine the role of this variant in disease. Therefore, it has been classified as a Variant of Uncertain Significance. Algorithms developed to predict the effect of missense changes on protein structure and function (SIFT, PolyPhen-2, Align-GVGD) all suggest that this variant is likely to be tolerated. This variant has not been reported in the literature in individuals affected with HSPD1-related conditions. This variant is present in population databases (rs771836446, gnomAD 0.002%).

NM_002156.5(HSPD1):c.1429A>G (p.Met477Val)

Gene: HSPD1 (heat shock protein family D (Hsp60) member 1; minus strand). Cytogenetic location: 2q33.1.
Variant type: single nucleotide variant.
Coding change: c.1429A>G on transcript NM_002156.5 (MANE Select); coding-DNA position 1429, A replaced by G.
Protein change: p.Met477Val; replaces methionine 477 with valine.
Molecular consequence: missense variant.
Genome position (GRCh38, 1-based): chr2:197,487,998, T>C on the plus strand (A>G on the coding strand, the complement: HSPD1 is on the minus strand). VCF-style: chr2-197487998-T-C. GRCh37 (hg19) VCF-style: chr2-198352722-T-C.
Other names: c.1429A>G, p.Met477Val (NM_199440.2); short protein forms M477V.
Identifiers: ClinVar variation 2017924 (VCV002017924.5), dbSNP rs771836446, ClinGen allele CA2043362.
Genomic context (GRCh38, chr2:197,487,998, plus strand): 5'-TTTGCATAATTTTCTCAACTATCAAAGATCCTTCAACACCTGCATTCTTAGCAATGGTCA[T>C]TGCTGGAATTTTGAGTGTTCTTTTAATAATTTCTATACCTACAGAGAAATTTCAGCAAAA-3'
Protein context (NP_002147.2, residues 467-487): IIKRTLKIPA[Met477Val]TIAKNAGVEG